The following is an entry in ClinVar:

ClinVar aggregate classification (germline): Uncertain significance (1 of 4 stars; one submission).

Allele frequency attached by ClinVar (database versions not stated): gnomAD exomes below 0.00001; gnomAD 0.00001.
gnomAD v4.1: 2 of 1,613,756 alleles (0.00012%); highest among the groups gnomAD compares: African/African-American, 0.0027%; no homozygotes.

Submission:

GeneDx
Classification: Uncertain significance. Last evaluated: 2022-09-07. Review status: criteria provided, single submitter. Criteria: GeneDx Variant Classification Process June 2021. Collection method: clinical testing. Allele origin: germline. Affected: yes.
Comment: In silico analysis supports that this missense variant does not alter protein structure/function; Has not been previously published as pathogenic or benign to our knowledge

NM_012330.4(KAT6B):c.1067T>C (p.Val356Ala)

Gene: KAT6B (lysine acetyltransferase 6B; plus strand). Cytogenetic location: 10q22.2.
Variant type: single nucleotide variant.
Coding change: c.1067T>C on transcript NM_012330.4 (MANE Select); coding-DNA position 1067, T replaced by C.
Protein change: p.Val356Ala; replaces valine 356 with alanine.
Molecular consequence: missense variant. On other transcripts: intron variant (5).
Genome position (GRCh38, 1-based): chr10:74,975,404, T>C. VCF-style: chr10-74975404-T-C. GRCh37 (hg19) VCF-style: chr10-76735162-T-C.
Other names: c.1067T>C, p.Val356Ala (NM_001256468.2, NM_001256469.2, NM_001370132.1 and 7 more transcripts); c.846+5629T>C (NM_001370133.1); c.193-3820T>C (NM_001370134.1); c.929-1912T>C (NM_001370143.1, NM_001370144.1); c.193-13615T>C (NM_001370135.1); short protein forms V356A.
Identifiers: ClinVar variation 2443623 (VCV002443623.1), dbSNP rs1394850841, ClinGen allele CA377284382.
Genomic context (GRCh38, chr10:74,975,404, plus strand): 5'-ACCTTTATAATTCTATTTATTAAATGCTGATACTATTCTCTAAATTTCTGCCTAGGTCTG[T>C]AACCAGTGATGAAGGATCCATGAATGCATTCACAGGAAGGGGGTCACCTGGTAGGGGTCA-3'
Protein context (NP_036462.2, residues 346-366): KNKLKQRLLS[Val356Ala]TSDEGSMNAF